The following is an entry in ClinVar:

NM_000085.5(CLCNKB):c.1357G>A (p.Val453Met)

Genes: CLCNKB (chloride voltage-gated channel Kb; plus strand), LOC106501713 (CLCNKB recombination region; plus strand). Cytogenetic location: 1p36.13.
Variant type: single nucleotide variant.
Coding change: c.1357G>A on transcript NM_000085.5 (MANE Select); coding-DNA position 1357, G replaced by A.
Protein change: p.Val453Met; replaces valine 453 with methionine.
Molecular consequence: missense variant.
Genome position (GRCh38, 1-based): chr1:16,051,769, G>A. VCF-style: chr1-16051769-G-A. GRCh37 (hg19) VCF-style: chr1-16378264-G-A.
Other names: c.850G>A, p.Val284Met (NM_001165945.2); c.1357G>A (NM_000085.3); short protein forms V284M, V453M.
Identifiers: ClinVar variation 1374763 (VCV001374763.7), dbSNP rs774299350, ClinGen allele CA623822.

ClinVar aggregate classification (germline): Uncertain significance. Review status: criteria provided, multiple submitters, no conflicts (2 of 4 stars). 2 submissions from 2 submitters: Uncertain significance (2). Last evaluated 2024-12-12.

Conditions:
Inborn genetic diseases. Identifiers: MedGen C0950123, MeSH D030342.

Allele frequency attached by ClinVar (database versions not stated): gnomAD 0.00001.
gnomAD v4.1: 60 of 1,613,840 alleles (0.0037%); highest among the groups gnomAD compares: Middle Eastern, 0.066%; no homozygotes.

Submissions (2):

Ambry Genetics
Classification: Uncertain significance for Inborn genetic diseases. Last evaluated: 2024-12-12. Review status: criteria provided, single submitter. Criteria: Ambry Variant Classification Scheme 2023. Collection method: clinical testing. Allele origin: germline.

Labcorp Genetics (formerly Invitae), Labcorp
Classification: Uncertain significance. Last evaluated: 2024-08-13. Review status: criteria provided, single submitter. Criteria: Invitae Variant Classification Sherloc (09022015). Collection method: clinical testing. Allele origin: germline.
Comment: This sequence change replaces valine, which is neutral and non-polar, with methionine, which is neutral and non-polar, at codon 453 of the CLCNKB protein (p.Val453Met). This variant is present in population databases (rs774299350, gnomAD 0.05%). This variant has not been reported in the literature in individuals affected with CLCNKB-related conditions. ClinVar contains an entry for this variant (Variation ID: 1374763). Advanced modeling of protein sequence and biophysical properties (such as structural, functional, and spatial information, amino acid conservation, physicochemical variation, residue mobility, and thermodynamic stability) performed at Invitae indicates that this missense variant is not expected to disrupt CLCNKB protein function with a negative predictive value of 95%. In summary, the available evidence is currently insufficient to determine the role of this variant in disease. Therefore, it has been classified as a Variant of Uncertain Significance.